The following is an entry in ClinVar:

ClinVar aggregate classification (germline): Uncertain significance (1 of 4 stars; one submission).

Conditions:
Familial cancer of breast. Also called: BREAST CANCER, FAMILIAL; Hereditary breast cancer; hereditary breast carcinoma. Identifiers: Orphanet 227535, MedGen C0346153, MONDO:0016419, OMIM 114480. Disease mechanism: loss of function.

Submission:

Labcorp Genetics (formerly Invitae), Labcorp
Classification: Uncertain significance for Familial cancer of breast. Last evaluated: 2024-06-25. Review status: criteria provided, single submitter. Criteria: Invitae Variant Classification Sherloc (09022015). Collection method: clinical testing. Allele origin: germline.
Comment: This sequence change replaces aspartic acid, which is acidic and polar, with glycine, which is neutral and non-polar, at codon 218 of the CHEK2 protein (p.Asp218Gly). This variant is not present in population databases (gnomAD no frequency). This variant has not been reported in the literature in individuals affected with CHEK2-related conditions. ClinVar contains an entry for this variant (Variation ID: 962133). An algorithm developed to predict the effect of missense changes on protein structure and function (PolyPhen-2) suggests that this variant is likely to be tolerated. In summary, the available evidence is currently insufficient to determine the role of this variant in disease. Therefore, it has been classified as a Variant of Uncertain Significance.

NM_007194.4(CHEK2):c.653A>G (p.Asp218Gly)

Gene: CHEK2 (checkpoint kinase 2; minus strand). Cytogenetic location: 22q12.1.
Variant type: single nucleotide variant.
Coding change: c.653A>G on transcript NM_007194.4 (MANE Select); coding-DNA position 653, A replaced by G.
Protein change: p.Asp218Gly; replaces aspartic acid 218 with glycine.
Molecular consequence: missense variant. On other transcripts: 5 prime UTR variant (2), intron variant (1).
Genome position (GRCh38, 1-based): chr22:28,719,425, T>C on the plus strand (A>G on the coding strand, the complement: CHEK2 is on the minus strand). VCF-style: chr22-28719425-T-C. GRCh37 (hg19) VCF-style: chr22-29115413-T-C.
Other names: c.782A>G, p.Asp261Gly (NM_001005735.3, NM_001438294.1); c.-11A>G (NM_001257387.3, NM_001437942.1); c.746A>G, p.Asp249Gly (NM_001438293.1, NM_001438295.1); c.653A>G, p.Asp218Gly (NM_145862.3); c.482+5461A>G (NM_001349956.3); short protein forms D261G, D218G, D249G.
Identifiers: ClinVar variation 962133 (VCV000962133.10), dbSNP rs961959952, ClinGen allele CA323028449.